The following is an entry in ClinVar:

NM_001363711.2(DUOX2):c.261A>C (p.Ala87=)

Gene: DUOX2 (dual oxidase 2; minus strand). Cytogenetic location: 15q21.1.
Variant type: single nucleotide variant.
Coding change: c.261A>C on transcript NM_001363711.2 (MANE Select); coding-DNA position 261, A replaced by C.
Protein change: p.Ala87=; no amino-acid change (alanine 87 retained).
Molecular consequence: synonymous variant.
Genome position (GRCh38, 1-based): chr15:45,112,618, T>G on the plus strand (A>C on the coding strand, the complement: DUOX2 is on the minus strand). VCF-style: chr15-45112618-T-G. GRCh37 (hg19) VCF-style: chr15-45404816-T-G.
Other names: c.261A>C, p.Ala87= (NM_014080.5).
Identifiers: ClinVar variation 3056714 (VCV003056714.2), dbSNP rs2504788568, ClinGen allele CA490332374.
Genomic context (GRCh38, chr15:45,112,618, plus strand): 5'-GAAGACCCCCAGTACGGTGCGGTTGTGGAGCGACGGCAGGCCGGCTATGCCCCGCGTGGC[T>G]GCGTTGCTGAGCCGGCGCGGGTTGGGCAGCTGCGGCTCCTCCAGAGCCTGATACACACCG-3'
Protein context (NP_001350640.1, residues 77-97): QLPNPRRLSN[Ala87=]ATRGIAGLPS

ClinVar aggregate classification (germline): Likely benign (0 of 4 stars; one submission).

Conditions:
DUOX2-related disorder. Also called: DUOX2-related condition.

Submission:

PreventionGenetics, part of Exact Sciences
Classification: Likely benign for DUOX2-related condition. Last evaluated: 2019-04-29. Review status: no assertion criteria provided. Collection method: clinical testing. Allele origin: germline.
Comment: This variant is classified as likely benign based on ACMG/AMP sequence variant interpretation guidelines (Richards et al. 2015 PMID: 25741868, with internal and published modifications).